The following is an entry in ClinVar:

ClinVar aggregate classification (germline): Uncertain significance (1 of 4 stars; one submission).

Conditions:
MPDU1-congenital disorder of glycosylation. Also called: MPDU1-CDG; CONGENITAL DISORDER OF GLYCOSYLATION, TYPE If; CDG If. Identifiers: Orphanet 79323, MedGen C1836669, MONDO:0012211, OMIM 609180.

Allele frequency attached by ClinVar (database versions not stated): gnomAD exomes 0.00001; ExAC 0.00002.
gnomAD v4.1: 7 of 1,614,086 alleles (0.00043%); highest among the groups gnomAD compares: East Asian, 0.0022%; no homozygotes.

Submission:

Labcorp Genetics (formerly Invitae), Labcorp
Classification: Uncertain significance for MPDU1-congenital disorder of glycosylation. Last evaluated: 2018-05-23. Review status: criteria provided, single submitter. Criteria: Invitae Variant Classification Sherloc (09022015). Collection method: clinical testing. Allele origin: germline.
Comment: This variant has not been reported in the literature in individuals with MPDU1-related disease. In summary, the available evidence is currently insufficient to determine the role of this variant in disease. Therefore, it has been classified as a Variant of Uncertain Significance. Algorithms developed to predict the effect of missense changes on protein structure and function are either unavailable or do not agree on the potential impact of this missense change (SIFT: "Deleterious"; PolyPhen-2: "Benign"; Align-GVGD: "Class C0"). The frequency data for this variant in the population databases is considered unreliable, as metrics indicate poor data quality at this position in the ExAC database. This sequence change replaces glutamic acid with lysine at codon 4 of the MPDU1 protein (p.Glu4Lys). The glutamic acid residue is moderately conserved and there is a small physicochemical difference between glutamic acid and lysine.

NM_004870.4(MPDU1):c.10G>A (p.Glu4Lys)

Genes: MPDU1-AS1 (MPDU1 antisense RNA 1; minus strand), MPDU1 (mannose-P-dolichol utilization defect 1; plus strand). Cytogenetic location: 17p13.1.
Variant type: single nucleotide variant.
Coding change: c.10G>A on transcript NM_004870.4 (MANE Select); coding-DNA position 10, G replaced by A.
Protein change: p.Glu4Lys; replaces glutamic acid 4 with lysine.
Molecular consequence: missense variant. On other transcripts: non-coding transcript variant (1).
Genome position (GRCh38, 1-based): chr17:7,583,872, G>A. VCF-style: chr17-7583872-G-A. GRCh37 (hg19) VCF-style: chr17-7487190-G-A.
Other names: c.10G>A, p.Glu4Lys (NM_001330073.1); short protein forms E4K.
Identifiers: ClinVar variation 570180 (VCV000570180.8), dbSNP rs772047932, ClinGen allele CA8352794.